The following is an entry in ClinVar:

NM_000179.3(MSH6):c.1001A>C (p.Lys334Thr)

Gene: MSH6 (mutS homolog 6; plus strand). Cytogenetic location: 2p16.3.
Variant type: single nucleotide variant.
Coding change: c.1001A>C on transcript NM_000179.3 (MANE Select); coding-DNA position 1001, A replaced by C.
Protein change: p.Lys334Thr; replaces lysine 334 with threonine.
Molecular consequence: missense variant.
Genome position (GRCh38, 1-based): chr2:47,798,984, A>C. VCF-style: chr2-47798984-A-C. GRCh37 (hg19) VCF-style: chr2-48026123-A-C.
Other names: c.611A>C, p.Lys204Thr (NM_001281492.2); c.95A>C, p.Lys32Thr (NM_001281493.2, NM_001281494.2); short protein forms K334T, K204T, K32T.
Identifiers: ClinVar variation 632906 (VCV000632906.1), dbSNP rs1558660066, ClinGen allele CA346741177.

ClinVar aggregate classification (germline): Uncertain significance (1 of 4 stars; one submission).

Allele frequency attached by ClinVar (database versions not stated): gnomAD exomes below 0.00001.
gnomAD v4.1: 1 of 1,614,252 alleles (0.000062%); highest among the groups gnomAD compares: Non-Finnish European, 0.000085%; no homozygotes.

Submission:

Women's Health and Genetics/Laboratory Corporation of America, LabCorp
Classification: Uncertain significance. Last evaluated: 2018-03-12. Review status: criteria provided, single submitter. Criteria: LabCorp Variant Classification Summary - May 2015. Collection method: clinical testing. Allele origin: germline.
Comment: Variant summary: MSH6 c.1001A>C (p.Lys334Thr) results in a non-conservative amino acid change in the encoded protein sequence. Three of five in-silico tools predict a benign effect of the variant on protein function. The variant was absent in 121240 control chromosomes. The available data on variant occurrences in the general population are insufficient to allow any conclusion about variant significance. To our knowledge, no occurrence of c.1001A>C in individuals affected with Lynch Syndrome and no experimental evidence demonstrating its impact on protein function have been reported. No clinical diagnostic laboratories have submitted clinical-significance assessments for this variant to ClinVar after 2014. Based on the evidence outlined above, the variant was classified as uncertain significance.